The following is an entry in ClinVar:

NM_020822.3(KCNT1):c.2098G>C (p.Glu700Gln)

Gene: KCNT1 (potassium sodium-activated channel subfamily T member 1; plus strand). Cytogenetic location: 9q34.3.
Variant type: single nucleotide variant.
Coding change: c.2098G>C on transcript NM_020822.3 (MANE Select); coding-DNA position 2098, G replaced by C.
Protein change: p.Glu700Gln; replaces glutamic acid 700 with glutamine.
Molecular consequence: missense variant.
Genome position (GRCh38, 1-based): chr9:135,772,804, G>C. VCF-style: chr9-135772804-G-C. GRCh37 (hg19) VCF-style: chr9-138664650-G-C.
Other names: c.1963G>C, p.Glu655Gln (NM_001272003.2); short protein forms E700Q, E655Q.
Identifiers: ClinVar variation 540580 (VCV000540580.9), dbSNP rs1554775570, ClinGen allele CA375510458.

ClinVar aggregate classification (germline): Uncertain significance (1 of 4 stars; one submission).

Conditions:
Autosomal dominant nocturnal frontal lobe epilepsy 5. Also called: Epilepsy, nocturnal frontal lobe, 5; KCNT1-Related Epilepsy; CILIARY DYSKINESIA, PRIMARY, 28, WITHOUT SITUS INVERSUS; CILIARY DYSKINESIA, PRIMARY, 28, WITH SITUS INVERSUS. Identifiers: Orphanet 98784, MedGen C3554306, MONDO:0014002, OMIM 615005.
Developmental and epileptic encephalopathy, 14 (DEE14). Also called: Early infantile epileptic encephalopathy 14. Identifiers: Orphanet 293181, MedGen C3554195, MONDO:0013989, OMIM 614959.

Allele frequency attached by ClinVar (database versions not stated): gnomAD exomes below 0.00001.
gnomAD v4.1: 1 of 1,516,884 alleles (0.000066%); highest among the groups gnomAD compares: Non-Finnish European, 0.000089%; no homozygotes.

Submission:

Labcorp Genetics (formerly Invitae), Labcorp
Classification: Uncertain significance for Autosomal dominant nocturnal frontal lobe epilepsy 5; Developmental and epileptic encephalopathy, 14. Last evaluated: 2026-02-03. Review status: criteria provided, single submitter. Criteria: Invitae Variant Classification Sherloc (09022015). Collection method: clinical testing. Allele origin: germline.
Comment: This sequence change replaces glutamic acid, which is acidic and polar, with glutamine, which is neutral and polar, at codon 700 of the KCNT1 protein (p.Glu700Gln). This variant is not present in population databases (gnomAD no frequency). This variant has not been reported in the literature in individuals affected with KCNT1-related conditions. ClinVar contains an entry for this variant (Variation ID: 540580). Invitae Evidence Modeling of protein sequence and biophysical properties (such as structural, functional, and spatial information, amino acid conservation, physicochemical variation, residue mobility, and thermodynamic stability) indicates that this missense variant is not expected to disrupt KCNT1 protein function with a negative predictive value of 80%. In summary, the available evidence is currently insufficient to determine the role of this variant in disease. Therefore, it has been classified as a Variant of Uncertain Significance.